The following is an entry in ClinVar:

NM_000203.5(IDUA):c.1422_1423dup (p.Tyr475fs)

Gene: IDUA (alpha-L-iduronidase; plus strand). Cytogenetic location: 4p16.3.
Variant type: Duplication.
Coding change: c.1422_1423dup on transcript NM_000203.5 (MANE Select); coding-DNA positions 1422 to 1423, 2 bases duplicated (CT; older notation c.1422_1423dupCT).
Protein change: p.Tyr475fs; shifts the reading frame from tyrosine 475.
Molecular consequence: frameshift variant. On other transcripts: non-coding transcript variant (1).
Genome position (GRCh38, 1-based): chr4:1,003,055-1,003,056, CT duplicated. VCF-style (leftmost placement, unchanged base first): chr4-1003054-G-GCT. GRCh37 (hg19) VCF-style: chr4-996842-G-GCT.
Other names: c.1026_1027dup, p.Tyr343fs (NM_001363576.1); c.1422_1423dupCT (NM_000203.3); short protein forms Y475fs, Y343fs.
Identifiers: ClinVar variation 554471 (VCV000554471.13), dbSNP rs761793564, ClinGen allele CA2802254.

ClinVar aggregate classification (germline): Pathogenic. Review status: criteria provided, multiple submitters, no conflicts (2 of 4 stars). 3 submissions from 3 submitters: Pathogenic (2). 1 of the submissions does not count toward it. Last evaluated 2026-01-19.

Conditions:
Mucopolysaccharidosis type 1. Also called: Mucopolysaccharidosis Type I; IDUA deficiency; MPS I. Identifiers: Orphanet 579, MedGen C0023786, MONDO:0001586.
Hurler syndrome. Also called: Gargoylism, Hurler Syndrome; MUCOPOLYSACCHARIDOSIS TYPE IH; Severe MPS I (Hurler Syndrome). Identifiers: Orphanet 93473, MedGen C0086795, MONDO:0011758, OMIM 607014.

Allele frequency attached by ClinVar (database versions not stated): gnomAD exomes 0.00001; TOPMed 0.00001; ExAC 0.00003.

Submissions (3):

Labcorp Genetics (formerly Invitae), Labcorp
Classification: Pathogenic for Mucopolysaccharidosis type 1. Last evaluated: 2026-01-19. Review status: criteria provided, single submitter. Criteria: Invitae Variant Classification Sherloc (09022015). Collection method: clinical testing. Allele origin: germline.
Comment: This sequence change creates a premature translational stop signal (p.Tyr475Serfs*51) in the IDUA gene. It is expected to result in an absent or disrupted protein product. Loss-of-function variants in IDUA are known to be pathogenic (PMID: 11735025, 21480867). This variant is present in population databases (rs761793564, gnomAD 0.03%). This variant has not been reported in the literature in individuals affected with IDUA-related conditions. ClinVar contains an entry for this variant (Variation ID: 554471). For these reasons, this variant has been classified as Pathogenic.

Revvity Omics, Revvity
Classification: Pathogenic. Last evaluated: 2020-06-19. Review status: criteria provided, single submitter. Criteria: ACMG Guidelines, 2015. Collection method: clinical testing. Allele origin: germline.

Counsyl
Classification: Likely pathogenic for Hurler syndrome. Last evaluated: 2017-10-19. Review status: no assertion criteria provided. Collection method: clinical testing. Allele origin: unknown. Not counted in ClinVar's aggregate classification.

Literature cited by the submitters: PubMed 11735025 (cited by Labcorp Genetics (formerly Invitae), Labcorp); PubMed 21480867 (cited by Labcorp Genetics (formerly Invitae), Labcorp).